The following is an entry in ClinVar:

NM_003322.6(TULP1):c.912G>T (p.Thr304=)

Gene: TULP1 (TUB like protein 1; minus strand). Cytogenetic location: 6p21.31.
Variant type: single nucleotide variant.
Coding change: c.912G>T on transcript NM_003322.6 (MANE Select); coding-DNA position 912, G replaced by T.
Protein change: p.Thr304=; no amino-acid change (threonine 304 retained).
Molecular consequence: synonymous variant.
Genome position (GRCh38, 1-based): chr6:35,506,090, C>A on the plus strand (G>T on the coding strand, the complement: TULP1 is on the minus strand). VCF-style: chr6-35506090-C-A. GRCh37 (hg19) VCF-style: chr6-35473867-C-A.
Other names: c.912G>T (NM_003322.5); c.753G>T, p.Thr251= (NM_001289395.2).
Identifiers: ClinVar variation 2856280 (VCV002856280.4), dbSNP rs765820404, ClinGen allele CA450124593.

ClinVar aggregate classification (germline): Likely benign. Review status: criteria provided, multiple submitters, no conflicts (2 of 4 stars). 2 submissions from 2 submitters: Likely benign (2). Last evaluated 2026-04-04.

Conditions:
TULP1-related disorder. Also called: TULP1-related condition; TULP1-related disorders.

gnomAD v4.1: 4 of 1,613,700 alleles (0.00025%); highest among the groups gnomAD compares: Admixed American, 0.0067%; no homozygotes.

Submissions (2):

PreventionGenetics, part of Exact Sciences
Classification: Likely benign for TULP1-related condition. Last evaluated: 2026-04-04. Review status: criteria provided, single submitter. Criteria: ACMG Guidelines, 2015. Collection method: clinical testing. Allele origin: germline.
Comment: This variant is classified as likely benign based on ACMG/AMP sequence variant interpretation guidelines (Richards et al. 2015 PMID: 25741868, with internal and published modifications).

Labcorp Genetics (formerly Invitae), Labcorp
Classification: Likely benign. Last evaluated: 2024-02-11. Review status: criteria provided, single submitter. Criteria: Invitae Variant Classification Sherloc (09022015). Collection method: clinical testing. Allele origin: germline.